The following is an entry in ClinVar:

NM_001184.4(ATR):c.5117T>C (p.Ile1706Thr)

Gene: ATR (ATR checkpoint kinase; minus strand). Cytogenetic location: 3q23.
Variant type: single nucleotide variant.
Coding change: c.5117T>C on transcript NM_001184.4 (MANE Select); coding-DNA position 5117, T replaced by C.
Protein change: p.Ile1706Thr; replaces isoleucine 1706 with threonine.
Molecular consequence: missense variant.
Genome position (GRCh38, 1-based): chr3:142,505,218, A>G on the plus strand (T>C on the coding strand, the complement: ATR is on the minus strand). VCF-style: chr3-142505218-A-G. GRCh37 (hg19) VCF-style: chr3-142224060-A-G.
Other names: c.4925T>C, p.Ile1642Thr (NM_001354579.2); short protein forms I1642T, I1706T.
Identifiers: ClinVar variation 1465345 (VCV001465345.8), dbSNP rs2108355632, ClinGen allele CA354819913.

ClinVar aggregate classification (germline): Uncertain significance (1 of 4 stars; one submission).

Allele frequency attached by ClinVar (database versions not stated): gnomAD exomes below 0.00001.
gnomAD v4.1: 3 of 1,614,084 alleles (0.00019%); highest among the groups gnomAD compares: East Asian, 0.0022%; no homozygotes.

Submission:

Labcorp Genetics (formerly Invitae), Labcorp
Classification: Uncertain significance. Last evaluated: 2021-02-07. Review status: criteria provided, single submitter. Criteria: Invitae Variant Classification Sherloc (09022015). Collection method: clinical testing. Allele origin: germline.
Comment: In summary, the available evidence is currently insufficient to determine the role of this variant in disease. Therefore, it has been classified as a Variant of Uncertain Significance. Algorithms developed to predict the effect of missense changes on protein structure and function (SIFT, PolyPhen-2, Align-GVGD) all suggest that this variant is likely to be disruptive, but these predictions have not been confirmed by published functional studies and their clinical significance is uncertain. This variant has not been reported in the literature in individuals with ATR-related conditions. This variant is not present in population databases (ExAC no frequency). This sequence change replaces isoleucine with threonine at codon 1706 of the ATR protein (p.Ile1706Thr). The isoleucine residue is highly conserved and there is a moderate physicochemical difference between isoleucine and threonine.